The following is an entry in ClinVar:

NM_000497.4(CYP11B1):c.260G>A (p.Gly87Asp)

Gene: CYP11B1 (cytochrome P450 family 11 subfamily B member 1; minus strand). Cytogenetic location: 8q24.3.
Variant type: single nucleotide variant.
Coding change: c.260G>A on transcript NM_000497.4 (MANE Select); coding-DNA position 260, G replaced by A.
Protein change: p.Gly87Asp; replaces glycine 87 with aspartic acid.
Molecular consequence: missense variant.
Genome position (GRCh38, 1-based): chr8:142,879,167, C>T on the plus strand (G>A on the coding strand, the complement: CYP11B1 is on the minus strand). VCF-style: chr8-142879167-C-T. GRCh37 (hg19) VCF-style: chr8-143960583-C-T.
Other names: c.260G>A, p.Gly87Asp (NM_001026213.1); short protein forms G87D.
Identifiers: ClinVar variation 3595344 (VCV003595344.3).
Genomic context (GRCh38, chr8:142,879,167, plus strand): 5'-TGCAGGCTGTCCACCTGTTGCAGCTTCTCCACGTCCTCCGGCAGCATCACACACACCATG[C>T]CTGCTCCTCCCAAGTCGTACCTGTGGGGCCAAGCACGAGGCCGTGCTGGATGGGACCATG-3'
Protein context (NP_000488.3, residues 77-97): PIFRYDLGGA[Gly87Asp]MVCVMLPEDV

ClinVar aggregate classification (germline): Uncertain significance. Review status: criteria provided, multiple submitters, no conflicts (2 of 4 stars). 2 submissions from 2 submitters: Uncertain significance (2). Last evaluated 2024-07-10.

Conditions:
Glucocorticoid-remediable aldosteronism. Also called: ACTH-DEPENDENT HYPERALDOSTERONISM SYNDROME; ALDOSTERONISM, SENSITIVE TO DEXAMETHASONE; FH I; GLUCOCORTICOID-SUPPRESSIBLE HYPERALDOSTERONISM; Hyperaldosteronism, familial, type I. Identifiers: Orphanet 403, MedGen C3838731, MONDO:0007080, OMIM 103900.
Deficiency of steroid 11-beta-monooxygenase (CYP11B1). Also called: ADRENAL HYPERPLASIA, CONGENITAL, DUE TO STEROID 11-BETA-HYDROXYLASE DEFICIENCY; 11-BETA-HYDROXYLASE DEFICIENCY; P450C11B1 DEFICIENCY; STEROID 11-BETA-HYDROXYLASE DEFICIENCY; Congenital adrenal hyperplasia due to 11-beta-hydroxylase deficiency; ADRENAL HYPERPLASIA IV. Identifiers: Orphanet 90795, MedGen C0268292, MONDO:0008729, OMIM 202010. Disease mechanism: loss of function.

Submissions (2):

Labcorp Genetics (formerly Invitae), Labcorp
Classification: Uncertain significance. Last evaluated: 2024-07-10. Review status: criteria provided, single submitter. Criteria: Invitae Variant Classification Sherloc (09022015). Collection method: clinical testing. Allele origin: germline.
Comment: This sequence change replaces glycine, which is neutral and non-polar, with aspartic acid, which is acidic and polar, at codon 87 of the CYP11B1 protein (p.Gly87Asp). This variant is present in population databases (rs745512458, gnomAD 0.04%). This variant has not been reported in the literature in individuals affected with CYP11B1-related conditions. Advanced modeling of protein sequence and biophysical properties (such as structural, functional, and spatial information, amino acid conservation, physicochemical variation, residue mobility, and thermodynamic stability) performed at Invitae indicates that this missense variant is not expected to disrupt CYP11B1 protein function with a negative predictive value of 95%. In summary, the available evidence is currently insufficient to determine the role of this variant in disease. Therefore, it has been classified as a Variant of Uncertain Significance.

Fulgent Genetics
Classification: Uncertain significance for Glucocorticoid-remediable aldosteronism; Deficiency of steroid 11-beta-monooxygenase. Last evaluated: 2024-04-24. Review status: criteria provided, single submitter. Criteria: ACMG Guidelines, 2015. Collection method: clinical testing. Allele origin: germline.